The following is an entry in ClinVar:

NM_014239.4(EIF2B2):c.598G>T (p.Gly200Cys)

Gene: EIF2B2 (eukaryotic translation initiation factor 2B subunit beta; plus strand). Cytogenetic location: 14q24.3.
Variant type: single nucleotide variant.
Coding change: c.598G>T on transcript NM_014239.4 (MANE Select); coding-DNA position 598, G replaced by T.
Protein change: p.Gly200Cys; replaces glycine 200 with cysteine.
Molecular consequence: missense variant.
Genome position (GRCh38, 1-based): chr14:75,005,866, G>T. VCF-style: chr14-75005866-G-T. GRCh37 (hg19) VCF-style: chr14-75472569-G-T.
Other names: short protein forms G200C.
Identifiers: ClinVar variation 3653615 (VCV003653615.3).

ClinVar aggregate classification (germline): Uncertain significance (1 of 4 stars; one submission).

Submissions (2):

Labcorp Genetics (formerly Invitae), Labcorp
Classification: Uncertain significance. Last evaluated: 2024-06-11. Review status: criteria provided, single submitter. Criteria: Invitae Variant Classification Sherloc (09022015). Collection method: clinical testing. Allele origin: germline.
Comment: This sequence change replaces glycine, which is neutral and non-polar, with cysteine, which is neutral and slightly polar, at codon 200 of the EIF2B2 protein (p.Gly200Cys). This variant is not present in population databases (gnomAD no frequency). This variant has not been reported in the literature in individuals affected with EIF2B2-related conditions. An algorithm developed to predict the effect of missense changes on protein structure and function (PolyPhen-2) suggests that this variant is likely to be disruptive. Algorithms developed to predict the effect of sequence changes on RNA splicing suggest that this variant may disrupt the consensus splice site. This variant disrupts the p.Gly200 amino acid residue in EIF2B2. Other variant(s) that disrupt this residue have been determined to be pathogenic (PMID: 14566705, 21560189). This suggests that this residue is clinically significant, and that variants that disrupt this residue are likely to be disease-causing. In summary, the available evidence is currently insufficient to determine the role of this variant in disease. Therefore, it has been classified as a Variant of Uncertain Significance.

Dr. Peter K. Rogan Lab, Western University
No classification provided (evidence only). Condition: Melanoma. Review status: no classification provided. Collection method: in vitro. Allele origin: not applicable. Functional consequence: skipped exon. Not counted in ClinVar's aggregate classification.

Literature cited by the submitters: PubMed 14566705 (cited by Labcorp Genetics (formerly Invitae), Labcorp); PubMed 21560189 (cited by Labcorp Genetics (formerly Invitae), Labcorp).